The following is an entry in ClinVar:

ClinVar aggregate classification (germline): Pathogenic (0 of 4 stars; one submission).

Conditions:
KMT2D-related disorder. Also called: KMT2D-Related Disorders.

Submission:

PreventionGenetics, part of Exact Sciences
Classification: Pathogenic for KMT2D-related condition. Last evaluated: 2023-11-15. Review status: no assertion criteria provided. Collection method: clinical testing. Allele origin: germline.
Comment: The KMT2D c.8549_8558delinsAA variant is predicted to result in a frameshift and premature protein termination (p.Leu2850Glnfs*14). To our knowledge, this variant has not been reported in the literature or in a large population database, indicating this variant is rare. Frameshift variants in KMT2D are expected to be pathogenic. This variant is interpreted as pathogenic.

NM_003482.4(KMT2D):c.8549_8558delinsAA (p.Leu2850fs)

Gene: KMT2D (lysine methyltransferase 2D; minus strand). Cytogenetic location: 12q13.12.
Variant type: Indel.
Coding change: c.8549_8558delinsAA on transcript NM_003482.4 (MANE Select); coding-DNA positions 8549 to 8558, TAGGTTCCCC replaced by AA.
Protein change: p.Leu2850fs; shifts the reading frame from leucine 2850.
Molecular consequence: frameshift variant.
Genome position (GRCh38, 1-based): chr12:49,038,798-49,038,807, GGGGAACCTA replaced by TT on the plus strand (TAGGTTCCCC replaced by AA on the coding strand, the reverse complement: KMT2D is on the minus strand). VCF-style: chr12-49038798-GGGGAACCTA-TT. GRCh37 (hg19) VCF-style: chr12-49432581-GGGGAACCTA-TT.
Other names: c.8549_8558delTAGGTTCCCCinsAA, p.Leu2850Glnfs (NM_003482.3); short protein forms L2850fs.
Identifiers: ClinVar variation 3043862 (VCV003043862.2), dbSNP rs2498388896, ClinGen allele CA2740092368.
Genomic context (GRCh38, chr12:49,038,798, plus strand): 5'-CCAGCTGGACCAGGCACTGGCTCACCAGGGCCTGGCAGACGGGTGGAAATTCCCGCCAAC[GGGGAACCTA>TT]GGGCTTGGCGGCCAAGTTCAGGTCCAGGAGTTGATGGAAAGCGAGCTGACATGGCAAATC-3'